The following is an entry in ClinVar:

ClinVar aggregate classification (germline): Uncertain significance. Review status: criteria provided, multiple submitters, no conflicts (2 of 4 stars). 2 submissions from 2 submitters: Uncertain significance (2). Last evaluated 2025-02-06.

Conditions:
FREM1-related disorder. Also called: FREM1-Related Disorders; FREM1-related condition.

gnomAD v4.1: 9 of 1,613,242 alleles (0.00056%); highest among the groups gnomAD compares: Middle Eastern, 0.099%; no homozygotes.

Submissions (2):

PreventionGenetics, part of Exact Sciences
Classification: Uncertain significance for FREM1-related condition. Last evaluated: 2025-02-06. Review status: criteria provided, single submitter. Criteria: ACMG Guidelines, 2015. Collection method: clinical testing. Allele origin: germline.
Comment: The FREM1 c.6310G>T variant is predicted to result in the amino acid substitution p.Asp2104Tyr. To our knowledge, this variant has not been reported in the literature. This variant is reported in 0.0027% of alleles in individuals of European (non-Finnish) descent in gnomAD. At this time, the clinical significance of this variant is uncertain due to the absence of conclusive functional and genetic evidence.

GeneDx
Classification: Uncertain significance. Last evaluated: 2024-02-20. Review status: criteria provided, single submitter. Criteria: GeneDx Variant Classification Process June 2021. Collection method: clinical testing. Allele origin: germline. Affected: yes.
Comment: Not observed at significant frequency in large population cohorts (gnomAD); In silico analysis supports that this missense variant has a deleterious effect on protein structure/function; Has not been previously published as pathogenic or benign to our knowledge

NM_001379081.2(FREM1):c.6310G>T (p.Asp2104Tyr)

Gene: FREM1 (FRAS1 related extracellular matrix 1; minus strand). Cytogenetic location: 9p22.3.
Variant type: single nucleotide variant.
Coding change: c.6310G>T on transcript NM_001379081.2 (MANE Select); coding-DNA position 6310, G replaced by T.
Protein change: p.Asp2104Tyr; replaces aspartic acid 2104 with tyrosine.
Molecular consequence: missense variant. On other transcripts: non-coding transcript variant (3).
Genome position (GRCh38, 1-based): chr9:14,740,179, C>A on the plus strand (G>T on the coding strand, the complement: FREM1 is on the minus strand). VCF-style: chr9-14740179-C-A. GRCh37 (hg19) VCF-style: chr9-14740177-C-A.
Other names: c.1918G>T, p.Asp640Tyr (NM_001177704.3, NM_001370061.2); c.1652G>T, p.Gly551Val (NM_001370058.2); c.6310G>T, p.Asp2104Tyr (NM_144966.7); short protein forms D2104Y, D640Y, G551V.
Identifiers: ClinVar variation 3369488 (VCV003369488.2).